The following is an entry in ClinVar:

ClinVar aggregate classification (germline): Uncertain significance (1 of 4 stars; one submission).

gnomAD v4.1: 1 of 1,614,208 alleles (0.000062%); highest among the groups gnomAD compares: Middle Eastern, 0.016%; no homozygotes.

Submission:

CeGaT Center for Human Genetics Tuebingen
Classification: Uncertain significance. Last evaluated: 2026-03-01. Review status: criteria provided, single submitter. Criteria: CeGaT Center For Human Genetics Tuebingen Variant Classification Criteria Version 2. Collection method: clinical testing. Allele origin: germline. Affected: yes. Observed: 1 variant allele.
Comment: SLC25A4: PM2

NM_001151.4(SLC25A4):c.653A>C (p.Gln218Pro)

Gene: SLC25A4 (solute carrier family 25 member 4; plus strand). Cytogenetic location: 4q35.1.
Variant type: single nucleotide variant.
Coding change: c.653A>C on transcript NM_001151.4 (MANE Select); coding-DNA position 653, A replaced by C.
Protein change: p.Gln218Pro; replaces glutamine 218 with proline.
Molecular consequence: missense variant.
Genome position (GRCh38, 1-based): chr4:185,145,813, A>C. VCF-style: chr4-185145813-A-C. GRCh37 (hg19) VCF-style: chr4-186066967-A-C.
Other names: short protein forms Q218P.
Identifiers: ClinVar variation 4821879 (VCV004821879.4).